The following is an entry in ClinVar:

NM_004380.3(CREBBP):c.1360C>T (p.Gln454Ter)

Gene: CREBBP (CREB binding lysine acetyltransferase; minus strand). Cytogenetic location: 16p13.3.
Variant type: single nucleotide variant.
Coding change: c.1360C>T on transcript NM_004380.3 (MANE Select); coding-DNA position 1360, C replaced by T.
Protein change: p.Gln454Ter; replaces glutamine 454 with a stop codon.
Molecular consequence: nonsense.
Genome position (GRCh38, 1-based): chr16:3,782,897, G>A on the plus strand (C>T on the coding strand, the complement: CREBBP is on the minus strand). VCF-style: chr16-3782897-G-A. GRCh37 (hg19) VCF-style: chr16-3832898-G-A.
Other names: c.1246C>T, p.Gln416Ter (NM_001079846.1); short protein forms Q454*, Q416*.
Identifiers: ClinVar variation 853646 (VCV000853646.7), dbSNP rs2053306001, ClinGen allele CA394557965.

ClinVar aggregate classification (germline): Pathogenic (1 of 4 stars; one submission).

Conditions:
Rubinstein-Taybi syndrome (RSTS). Identifiers: Orphanet 783, MedGen C0035934, MONDO:0019188.

Submission:

Labcorp Genetics (formerly Invitae), Labcorp
Classification: Pathogenic for Rubinstein-Taybi syndrome. Last evaluated: 2019-06-03. Review status: criteria provided, single submitter. Criteria: Invitae Variant Classification Sherloc (09022015). Collection method: clinical testing. Allele origin: germline.
Comment: This sequence change creates a premature translational stop signal (p.Gln454*) in the CREBBP gene. It is expected to result in an absent or disrupted protein product. This variant is not present in population databases (ExAC no frequency). This variant has not been reported in the literature in individuals with CREBBP-related conditions. Loss-of-function variants in CREBBP are known to be pathogenic (PMID: 17052327, 18792986). For these reasons, this variant has been classified as Pathogenic.

Literature cited by the submitters: PubMed 17052327; PubMed 18792986.